The following is an entry in ClinVar:

ClinVar aggregate classification (germline): Uncertain significance. Review status: criteria provided, multiple submitters, no conflicts (2 of 4 stars). 2 submissions from 2 submitters: Uncertain significance (2). Last evaluated 2026-04-14.

Conditions:
Familial intrahepatic cholestasis. Identifiers: Orphanet 284385, MedGen CN296401, MONDO:0017290.
Progressive familial intrahepatic cholestasis type 2. Identifiers: Orphanet 79304, MedGen C3489789, MONDO:0011156, OMIM 601847.

Submissions (2):

Genomenon, Inc
Classification: Uncertain significance for Familial intrahepatic cholestasis. Last evaluated: 2026-04-14. Review status: criteria provided, single submitter. Criteria: Genomenon Sequence Variant Interpretation Standards - Updated. Collection method: curation. Allele origin: germline. Affected: yes.
Comment: ABCB11 p.Lys969_Lys972del (c.2906_2917del) is an in-frame deletion variant that results in the loss of multiple amino acids, from Lysine at position 969 to Lysine at position 972. This variant has been observed in at least one proband with an ABCB11-related disorder (PMID:18395098). The variant was found to segregate with disease in at least one affected family (PMID:18395098). It is absent or not present at a significant frequency in gnomAD. In conclusion, we classify ABCB11 p.Lys969_Lys972del (c.2906_2917del) as a variant of uncertain significance.

Broad Center for Mendelian Genomics, Broad Institute of MIT and Harvard
Classification: Uncertain significance for Progressive familial intrahepatic cholestasis type 2. Last evaluated: 2025-01-24. Review status: criteria provided, single submitter. Criteria: ACMG Guidelines, 2015. Collection method: curation. Allele origin: germline. Inheritance: Autosomal recessive inheritance.
Comment: The p.Lys969_Lys972del variant in ABCB11 has been reported, in the compound heterozygous state, in 2 related individuals with BSEP deficiency (PMID: 18395098; Variation ID: 6590), and has been identified in 0.0002% (2/1179902) of European (non-Finnish) chromosomes by the Genome Aggregation Database (gnomAD; dbSNP rs759850007). Although this variant has been seen in the general population in a heterozygous state, its frequency is low enough to be consistent with a recessive carrier frequency. This variant is an insertion of 4 amino acids at position 969 and is not predicted to alter the protein reading-frame. It is unclear if this deletion will impact the protein. In summary, the clinical significance of the p.Lys969_Lys972del variant is uncertain. ACMG/AMP Criteria applied: PM3, PM4_supporting, PM2_supporting (Richards 2015).

Literature cited by the submitters: PubMed 18395098 (cited by Genomenon, Inc).

NM_003742.4(ABCB11):c.2906_2917del (p.Lys969_Lys972del)

Gene: ABCB11 (ATP binding cassette subfamily B member 11; minus strand). Cytogenetic location: 2q31.1.
Variant type: Deletion.
Coding change: c.2906_2917del on transcript NM_003742.4 (MANE Select); coding-DNA positions 2906 to 2917, 12 bases deleted (AGCCCTTCAAGA).
Protein change: p.Lys969_Lys972del.
Molecular consequence: inframe deletion.
Genome position (GRCh38, 1-based): chr2:168,935,323-168,935,334, TCTTGAAGGGCT deleted on the plus strand (AGCCCTTCAAGA on the coding strand, the reverse complement: ABCB11 is on the minus strand); deleting any 12 consecutive bases within chr2:168,935,323-168,935,337 gives the same sequence; the c. name uses the placement nearest the transcript's 3' end. VCF-style (leftmost placement, unchanged base first): chr2-168935322-GTCTTGAAGGGCT-G. GRCh37 (hg19) VCF-style: chr2-169791832-GTCTTGAAGGGCT-G.
Other names: NM_003742.4:c.2906_2917del.
Identifiers: ClinVar variation 3776843 (VCV003776843.2).